The following is an entry in ClinVar:

ClinVar aggregate classification (germline): Uncertain significance. Review status: criteria provided, multiple submitters, no conflicts (2 of 4 stars). 3 submissions from 3 submitters: Uncertain significance (3). Last evaluated 2023-01-05.

Conditions:
Hereditary cancer-predisposing syndrome. Also called: Neoplastic Syndromes, Hereditary; Tumor predisposition; Hereditary neoplastic syndrome; Hereditary Cancer Syndrome. Identifiers: Orphanet 140162, MedGen C0027672, MeSH D009386, MONDO:0015356.

Allele frequency attached by ClinVar (database versions not stated): ExAC 0.00001; gnomAD exomes 0.00001.
gnomAD v4.1: 3 of 1,612,346 alleles (0.00019%); highest among the groups gnomAD compares: Admixed American, 0.005%; no homozygotes.

Submissions (3):

Ambry Genetics
Classification: Uncertain significance for Hereditary cancer-predisposing syndrome. Last evaluated: 2023-01-05. Review status: criteria provided, single submitter. Criteria: Ambry Variant Classification Scheme 2023. Collection method: clinical testing. Allele origin: germline.
Comment: The p.L346R variant (also known as c.1037T>G), located in coding exon 7 of the RAD50 gene, results from a T to G substitution at nucleotide position 1037. The leucine at codon 346 is replaced by arginine, an amino acid with dissimilar properties. This amino acid position is highly conserved in available vertebrate species. In addition, the in silico prediction for this alteration is inconclusive. Since supporting evidence is limited at this time, the clinical significance of this alteration remains unclear.

Quest Diagnostics Nichols Institute San Juan Capistrano
Classification: Uncertain significance. Last evaluated: 2022-11-17. Review status: criteria provided, single submitter. Criteria: Quest Diagnostics criteria. Collection method: clinical testing. Allele origin: unknown.
Comment: The variant has not been reported in the published literature. The frequency of this variant in the general population, 0.000008 (2/250458 chromosomes), is uninformative in assessment of its pathogenicity. Analysis of this variant using bioinformatics tools for the prediction of the effect of amino acid changes on protein structure and function yielded conflicting predictions that this variant is benign or damaging. Based on the available information, we are unable to determine the clinical significance of this variant.

Labcorp Genetics (formerly Invitae), Labcorp
Classification: Uncertain significance for Hereditary cancer-predisposing syndrome. Last evaluated: 2020-05-27. Review status: criteria provided, single submitter. Criteria: Invitae Variant Classification Sherloc (09022015). Collection method: clinical testing. Allele origin: germline.
Comment: This sequence change replaces leucine with arginine at codon 346 of the RAD50 protein (p.Leu346Arg). The leucine residue is highly conserved and there is a moderate physicochemical difference between leucine and arginine. This variant is present in population databases (rs762938709, ExAC 0.009%). This variant has not been reported in the literature in individuals with RAD50-related conditions. Algorithms developed to predict the effect of missense changes on protein structure and function (SIFT, PolyPhen-2, Align-GVGD) all suggest that this variant is likely to be disruptive, but these predictions have not been confirmed by published functional studies and their clinical significance is uncertain. In summary, the available evidence is currently insufficient to determine the role of this variant in disease. Therefore, it has been classified as a Variant of Uncertain Significance.

NM_005732.4(RAD50):c.1037T>G (p.Leu346Arg)

Gene: RAD50 (RAD50 double strand break repair protein; plus strand). Cytogenetic location: 5q31.1.
Variant type: single nucleotide variant.
Coding change: c.1037T>G on transcript NM_005732.4 (MANE Select); coding-DNA position 1037, T replaced by G.
Protein change: p.Leu346Arg; replaces leucine 346 with arginine.
Molecular consequence: missense variant.
Genome position (GRCh38, 1-based): chr5:132,588,075, T>G. VCF-style: chr5-132588075-T-G. GRCh37 (hg19) VCF-style: chr5-131923767-T-G.
Other names: short protein forms L346R.
Identifiers: ClinVar variation 662556 (VCV000662556.14), dbSNP rs762938709, ClinGen allele CA3405077.